The following is an entry in ClinVar:

ClinVar aggregate classification (germline): Likely pathogenic (1 of 4 stars; one submission).

Conditions:
Hypogonadotropic hypogonadism 2 with or without anosmia (HH2). Also called: FGFR1-Related GnRH Deficiency (Kallmann Syndrome 2); HYPOGONADOTROPIC HYPOGONADISM 2 WITH OR WITHOUT ANOSMIA, SUSCEPTIBILITY TO; HYPOGONADOTROPIC HYPOGONADISM 2 WITHOUT ANOSMIA, SUSCEPTIBILITY TO; HYPOGONADOTROPIC HYPOGONADISM 2 WITHOUT ANOSMIA. Identifiers: Orphanet 478, MedGen C1563720, MONDO:0007844, OMIM 147950. Disease mechanism: loss of function.
Pfeiffer syndrome (ACS5). Also called: ACS V. Identifiers: Orphanet 710, MedGen C0220658, MONDO:0007043, OMIM 101600.

Submission:

Labcorp Genetics (formerly Invitae), Labcorp
Classification: Likely pathogenic for Pfeiffer syndrome; Hypogonadotropic hypogonadism 2 with or without anosmia. Last evaluated: 2023-10-05. Review status: criteria provided, single submitter. Criteria: Invitae Variant Classification Sherloc (09022015). Collection method: clinical testing. Allele origin: germline.
Comment: This sequence change affects a donor splice site in intron 8 of the FGFR1 gene. It is expected to disrupt RNA splicing. Variants that disrupt the donor or acceptor splice site typically lead to a loss of protein function (PMID: 16199547), and loss-of-function variants in FGFR1 are known to be pathogenic (PMID: 12627230). This variant is not present in population databases (gnomAD no frequency). This variant has not been reported in the literature in individuals affected with FGFR1-related conditions. Algorithms developed to predict the effect of sequence changes on RNA splicing suggest that this variant may disrupt the consensus splice site. In summary, the currently available evidence indicates that the variant is pathogenic, but additional data are needed to prove that conclusively. Therefore, this variant has been classified as Likely Pathogenic.

Literature cited by the submitters: PubMed 16199547; PubMed 12627230.

NM_023110.3(FGFR1):c.1081+1G>A

Gene: FGFR1 (fibroblast growth factor receptor 1; minus strand). Cytogenetic location: 8p11.23.
Variant type: single nucleotide variant.
Coding change: c.1081+1G>A on transcript NM_023110.3 (MANE Select); the canonical splice donor site of the intron after coding-DNA position 1081, G replaced by A.
Molecular consequence: splice donor variant.
Genome position (GRCh38, 1-based): chr8:38,421,796, C>T on the plus strand (G>A on the coding strand, the complement: FGFR1 is on the minus strand). VCF-style: chr8-38421796-C-T. GRCh37 (hg19) VCF-style: chr8-38279314-C-T.
Other names: c.808+1G>A (NM_001354368.2, NM_001354370.2, NM_023106.3); c.814+1G>A (NM_023105.3, NM_001174066.2); c.1075+1G>A (NM_001354367.2, NM_015850.4, NM_001354369.2 and 2 more transcripts); c.1081+1G>A (NM_001174063.2); c.1057+1G>A (NM_001174064.2); c.1174+1G>A (NM_001174067.2).
Identifiers: ClinVar variation 2950138 (VCV002950138.3), dbSNP rs2150751795, ClinGen allele CA370734065.